The following is an entry in ClinVar:

NM_000088.4(COL1A1):c.1200+5G>A

Gene: COL1A1 (collagen type I alpha 1 chain; minus strand). Cytogenetic location: 17q21.33.
Variant type: single nucleotide variant.
Coding change: c.1200+5G>A on transcript NM_000088.4 (MANE Select); 5 bases into the intron after coding-DNA position 1200, G replaced by A.
Molecular consequence: intron variant.
Genome position (GRCh38, 1-based): chr17:50,195,429, C>T on the plus strand (G>A on the coding strand, the complement: COL1A1 is on the minus strand). VCF-style: chr17-50195429-C-T. GRCh37 (hg19) VCF-style: chr17-48272790-C-T.
Identifiers: ClinVar variation 566740 (VCV000566740.20), dbSNP rs374322003, ClinGen allele CA8645369.

ClinVar aggregate classification (germline): Uncertain significance. Review status: criteria provided, multiple submitters, no conflicts (2 of 4 stars). 7 submissions from 7 submitters: Uncertain significance (6). 1 of the submissions does not count toward it. Last evaluated 2025-02-10.

Conditions:
COL1A1-related disorder. Also called: COL1A1- related disease; COL1A1-related condition.
Infantile cortical hyperostosis. Also called: Caffey Disease; Hyperostosis, Cortical, Congenital; P1PK BLOOD GROUP SYSTEM, P(2) PHENOTYPE. Identifiers: Orphanet 1310, MedGen C0020497, MONDO:0007244, OMIM 114000.
Ehlers-Danlos syndrome, arthrochalasia type. Also called: EDS VII, MUTANT PROCOLLAGEN TYPE; EDS VIIA; Ehlers-Danlos syndrome, arthrochalasia type, 1; ARTHROCHALASIS MULTIPLEX CONGENITA; Ehlers-Danlos syndrome, arthrochalasis type. Identifiers: Orphanet 1899, Orphanet 99875, Orphanet 99876, MedGen C4551623, MONDO:0007525, OMIM 130060.
Combined osteogenesis imperfecta and Ehlers-Danlos syndrome 1. Also called: OIEDS SYNDROME 1. Identifiers: MedGen C5436842, MONDO:0030854, OMIM 619115.
Osteogenesis imperfecta, perinatal lethal (OI2). Also called: OI, TYPE II; OSTEOGENESIS IMPERFECTA CONGENITA; VROLIK TYPE OF OSTEOGENESIS IMPERFECTA; OSTEOGENESIS IMPERFECTA, TYPE II; Osteogenesis imperfecta, dominant perinatal lethal; Osteogenesis imperfecta type 2. Identifiers: Orphanet 216804, MedGen C0268358, MONDO:0008147, OMIM 166210.
Osteogenesis imperfecta type III (OI3). Also called: Progressively Deforming Osteogenesis Imperfecta; Osteogenesis imperfecta type 3; OI type 3; Osteogenesis imperfecta, progressively deforming with normal sclerae; OI type III. Identifiers: Orphanet 216812, Orphanet 666, MedGen C0268362, MONDO:0009804, OMIM 259420.
Osteogenesis imperfecta type I (OI1). Also called: OI, TYPE I; OSTEOGENESIS IMPERFECTA TARDA; OSTEOGENESIS IMPERFECTA WITH BLUE SCLERAE; Classic Non-deforming Osteogenesis Imperfecta with Blue Sclerae; Osteogenesis imperfecta type 1; Lobstein's Disease. Identifiers: Orphanet 216796, Orphanet 666, MedGen C0023931, MONDO:0008146, OMIM 166200. Disease mechanism: loss of function.
Osteoporosis. Identifiers: MedGen C0029456, MONDO:0005298, OMIM 166710, HP:0000939.
Osteogenesis imperfecta with normal sclerae, dominant form (OI4). Also called: OSTEOGENESIS IMPERFECTA WITH NORMAL SCLERAE; Osteogenesis imperfecta type 4; OSTEOGENESIS IMPERFECTA, TYPE IV, WITH DENTINOGENESIS IMPERFECTA; Osteogenesis Imperfecta Type IV; Common Variable Osteogenesis Imperfecta with Normal Sclerae. Identifiers: Orphanet 216820, Orphanet 666, MedGen C0268363, MONDO:0008148, OMIM 166220.
Cardiovascular phenotype. Identifiers: MedGen CN230736.

Allele frequency attached by ClinVar (database versions not stated): TOPMed 0.00002; gnomAD exomes 0.00003 and 0.00007; ExAC 0.00005; gnomAD 0.00005; ESP Exome Variant Server 0.00015.
gnomAD v4.1: 112 of 1,614,012 alleles (0.0069%); highest among the groups gnomAD compares: Non-Finnish European, 0.0092%; no homozygotes.

Submissions (7):

Labcorp Genetics (formerly Invitae), Labcorp
Classification: Uncertain significance for Osteogenesis imperfecta type I. Last evaluated: 2025-02-10. Review status: criteria provided, single submitter. Criteria: Invitae Variant Classification Sherloc (09022015). Collection method: clinical testing. Allele origin: germline.
Comment: This sequence change falls in intron 18 of the COL1A1 gene. It does not directly change the encoded amino acid sequence of the COL1A1 protein. It affects a nucleotide within the consensus splice site. This variant is present in population databases (rs374322003, gnomAD 0.007%). This variant has been observed in individuals with clinical features of autosomal dominant osteogenesis imperfecta (Inviate). ClinVar contains an entry for this variant (Variation ID: 566740). Variants that disrupt the consensus splice site are a relatively common cause of aberrant splicing (PMID: 17576681, 9536098). Algorithms developed to predict the effect of sequence changes on RNA splicing suggest that this variant may disrupt the consensus splice site. In summary, the available evidence is currently insufficient to determine the role of this variant in disease. Therefore, it has been classified as a Variant of Uncertain Significance.

Blueprint Genetics
Classification: Uncertain significance. Last evaluated: 2023-12-14. Review status: criteria provided, single submitter. Criteria: ACMG Guidelines, 2015. Collection method: clinical testing. Allele origin: germline.

Ambry Genetics
Classification: Uncertain significance for Cardiovascular phenotype. Last evaluated: 2023-09-11. Review status: criteria provided, single submitter. Criteria: Ambry Variant Classification Scheme 2023. Collection method: clinical testing. Allele origin: germline.
Comment: The c.1200+5G>A intronic variant results from a G to A substitution 5 nucleotides after coding exon 18 in the COL1A1 gene. This nucleotide position is highly conserved in available vertebrate species. In silico splice site analysis predicts that this alteration may result in the creation or strengthening of a novel splice donor site. Since supporting evidence is limited at this time, the clinical significance of this alteration remains unclear.

Greenwood Genetic Center Diagnostic Laboratories, Greenwood Genetic Center
Classification: Uncertain significance. Last evaluated: 2022-10-31. Review status: criteria provided, single submitter. Criteria: ACMG Guidelines, 2015. Collection method: clinical testing. Allele origin: germline. Affected: yes.
Comment: PP3

Fulgent Genetics
Classification: Uncertain significance for Infantile cortical hyperostosis; Ehlers-Danlos syndrome, arthrochalasia type; Osteogenesis imperfecta type I; Osteogenesis imperfecta, perinatal lethal; Osteogenesis imperfecta with normal sclerae, dominant form; Osteoporosis; Osteogenesis imperfecta type III; Combined osteogenesis imperfecta and Ehlers-Danlos syndrome 1. Last evaluated: 2021-10-15. Review status: criteria provided, single submitter. Criteria: ACMG Guidelines, 2015. Collection method: clinical testing. Allele origin: unknown.

GeneDx
Classification: Uncertain significance. Last evaluated: 2020-10-29. Review status: criteria provided, single submitter. Criteria: GeneDx Variant Classification Process June 2021. Collection method: clinical testing. Allele origin: germline. Affected: yes.
Comment: Has not been previously published as pathogenic or benign to our knowledge; Intronic +5 splice site variant predicted to result in aberrant splicing; however, in the absence of RNA/functional studies, the actual effect of this sequence change is unknown; Reported in ClinVar as a variant of uncertain significance (ClinVar Variant ID# 566740; Landrum et al., 2016)

PreventionGenetics, part of Exact Sciences
Classification: Uncertain significance for COL1A1-related condition. Last evaluated: 2024-02-23. Review status: no assertion criteria provided. Collection method: clinical testing. Allele origin: germline. Not counted in ClinVar's aggregate classification.
Comment: The COL1A1 c.1200+5G>A variant is predicted to interfere with splicing. To our knowledge, this variant has not been reported in the literature. This variant is reported in 0.0070% of alleles in individuals of European (Non-Finnish) descent in gnomAD At this time, the clinical significance of this variant is uncertain due to the absence of conclusive functional and genetic evidence.

Literature cited by the submitters: PubMed 17576681 (cited by Labcorp Genetics (formerly Invitae), Labcorp); PubMed 9536098 (cited by Labcorp Genetics (formerly Invitae), Labcorp).